The following is an entry in ClinVar:

ClinVar aggregate classification (germline): Uncertain significance (1 of 4 stars; one submission).

Conditions:
Melnick-Needles syndrome (MNS). Also called: MELNICK-NEEDLES OSTEODYSPLASTY; Melnick-Needles Syndrome (FLNA-MNS); OSTEODYSPLASTY OF MELNICK AND NEEDLES. Identifiers: Orphanet 2484, MedGen C0025237, MONDO:0010650, OMIM 309350.
Frontometaphyseal dysplasia (FMD1). Identifiers: Orphanet 1826, MedGen C0265293, MONDO:0015942.
Heterotopia, periventricular, X-linked dominant (PVNH1). Also called: PERIVENTRICULAR NODULAR HETEROTOPIA 1; X-linked periventricular heterotopia; PERIVENTRICULAR NODULAR HETEROTOPIA 4; HETEROTOPIA, PERIVENTRICULAR, 1. Identifiers: Orphanet 2149, Orphanet 82004, MedGen C1848213, MONDO:0010233, OMIM 300049.
Oto-palato-digital syndrome, type II (OPD2). Also called: FACIOPALATOOSSEOUS SYNDROME; Otopalatodigital Syndrome Type 2 (FLNA-OPD2); OPD II SYNDROME; Otopalatodigital Syndrome, Type II. Identifiers: Orphanet 669, Orphanet 90652, MedGen C1844696, MONDO:0010571, OMIM 304120.

Allele frequency attached by ClinVar (database versions not stated): gnomAD exomes below 0.00001; TOPMed below 0.00001.

Submission:

Labcorp Genetics (formerly Invitae), Labcorp
Classification: Uncertain significance for Oto-palato-digital syndrome, type II; Heterotopia, periventricular, X-linked dominant; Frontometaphyseal dysplasia; Melnick-Needles syndrome. Last evaluated: 2023-11-27. Review status: criteria provided, single submitter. Criteria: Invitae Variant Classification Sherloc (09022015). Collection method: clinical testing. Allele origin: germline.
Comment: This sequence change replaces alanine, which is neutral and non-polar, with threonine, which is neutral and polar, at codon 2058 of the FLNA protein (p.Ala2058Thr). This variant is not present in population databases (gnomAD no frequency). This variant has not been reported in the literature in individuals affected with FLNA-related conditions. ClinVar contains an entry for this variant (Variation ID: 1450916). Advanced modeling of protein sequence and biophysical properties (such as structural, functional, and spatial information, amino acid conservation, physicochemical variation, residue mobility, and thermodynamic stability) performed at Invitae indicates that this missense variant is not expected to disrupt FLNA protein function with a negative predictive value of 95%. In summary, the available evidence is currently insufficient to determine the role of this variant in disease. Therefore, it has been classified as a Variant of Uncertain Significance.

NM_001110556.2(FLNA):c.6196G>A (p.Ala2066Thr)

Gene: FLNA (filamin A; minus strand). Cytogenetic location: Xq28.
Variant type: single nucleotide variant.
Coding change: c.6196G>A on transcript NM_001110556.2 (MANE Select); coding-DNA position 6196, G replaced by A.
Protein change: p.Ala2066Thr; replaces alanine 2066 with threonine.
Molecular consequence: missense variant.
Genome position (GRCh38, 1-based): chrX:154,353,031, C>T on the plus strand (G>A on the coding strand, the complement: FLNA is on the minus strand). VCF-style: chrX-154353031-C-T. GRCh37 (hg19) VCF-style: chrX-153581399-C-T.
Other names: c.6172G>A, p.Ala2058Thr (NM_001456.4); short protein forms A2058T, A2066T.
Identifiers: ClinVar variation 1450916 (VCV001450916.7), dbSNP rs2067633311, ClinGen allele CA415195264.
Genomic context (GRCh38, chrX:154,353,031, plus strand): 5'-CGCCCCAGCTGGTGGGCAGCCACTGCCTACCTGCATCGCGGGTATCAATGATAAACTCTG[C>T]AGGCTCAAAGGTGTGGCCTTCGTGAAGGCCCTGACCAGAGACCCGAACACGACTGGCATC-3'
Protein context (NP_001104026.1, residues 2056-2076): GLHEGHTFEP[Ala2066Thr]EFIIDTRDAG